The following is an entry in ClinVar:

ClinVar aggregate classification (germline): Uncertain significance (1 of 4 stars; one submission).

Conditions:
Inborn genetic diseases. Identifiers: MedGen C0950123, MeSH D030342.

Submission:

Ambry Genetics
Classification: Uncertain significance for Inborn genetic diseases. Last evaluated: 2022-03-01. Review status: criteria provided, single submitter. Criteria: Ambry Variant Classification Scheme 2023. Collection method: clinical testing. Allele origin: germline.
Comment: The c.552T>A (p.Y184*) alteration, located in coding exon 2 of the YWHAG gene, consists of a T to A substitution at nucleotide position 552. This changes the amino acid from a tyrosine (Y) to a stop codon at amino acid position 184. This alteration occurs at the 3' terminus of the YWHAG gene, is not expected to trigger nonsense-mediated mRNA decay, and only impacts the last 25.5% of the protein. The exact functional effect of this alteration is unknown. Additionally, loss-of-function of YWHAG has not been established as a mechanism of disease. This variant was not reported in population-based cohorts in the Genome Aggregation Database (gnomAD). Based on insufficient or conflicting evidence, the clinical significance of this alteration remains unclear.

NM_012479.4(YWHAG):c.552T>A (p.Tyr184Ter)

Gene: YWHAG (tyrosine 3-monooxygenase/tryptophan 5-monooxygenase activation protein gamma; minus strand). Cytogenetic location: 7q11.23.
Variant type: single nucleotide variant.
Coding change: c.552T>A on transcript NM_012479.4 (MANE Select); coding-DNA position 552, T replaced by A.
Protein change: p.Tyr184Ter; replaces tyrosine 184 with a stop codon.
Molecular consequence: nonsense.
Genome position (GRCh38, 1-based): chr7:76,329,769, A>T on the plus strand (T>A on the coding strand, the complement: YWHAG is on the minus strand). VCF-style: chr7-76329769-A-T. GRCh37 (hg19) VCF-style: chr7-75959086-A-T.
Other names: short protein forms Y184*.
Identifiers: ClinVar variation 985849 (VCV000985849.4), dbSNP rs1803516480, ClinGen allele CA367776674.